The following is an entry in ClinVar:

NM_000069.3(CACNA1S):c.3113G>A (p.Arg1038His)

Gene: CACNA1S (calcium voltage-gated channel subunit alpha1 S; minus strand). Cytogenetic location: 1q32.1.
Variant type: single nucleotide variant.
Coding change: c.3113G>A on transcript NM_000069.3 (MANE Select); coding-DNA position 3113, G replaced by A.
Protein change: p.Arg1038His; replaces arginine 1038 with histidine.
Molecular consequence: missense variant.
Genome position (GRCh38, 1-based): chr1:201,061,409, C>T on the plus strand (G>A on the coding strand, the complement: CACNA1S is on the minus strand). VCF-style: chr1-201061409-C-T. GRCh37 (hg19) VCF-style: chr1-201030537-C-T.
Other names: short protein forms R1038H.
Identifiers: ClinVar variation 654889 (VCV000654889.11), dbSNP rs774884290, ClinGen allele CA079553.

ClinVar aggregate classification (germline): Conflicting classifications of pathogenicity. Review status: criteria provided, conflicting classifications (1 of 4 stars). 5 submissions from 5 submitters: Uncertain significance (4); Likely benign (1). Last evaluated 2026-01-22.

Conditions:
Hypokalemic periodic paralysis, type 1. Also called: HypoPP; Hypokalemic Periodic Paralysis Type 1 (AD). Identifiers: Orphanet 681, MedGen C3714580, MONDO:0042979, OMIM 170400.
Malignant hyperthermia, susceptibility to, 5 (MHS5). Also called: CACNA1S-Related Malignant Hyperthermia Susceptibility. Identifiers: Orphanet 423, MedGen C1866077, MONDO:0011163, OMIM 601887.
Thyrotoxic periodic paralysis, susceptibility to, 1 (TTPP1). Identifiers: Orphanet 79102, MedGen C2749982, MONDO:0008570, OMIM 188580.

Allele frequency attached by ClinVar (database versions not stated): gnomAD 0.00003; TOPMed 0.00006.

Submissions (5):

Labcorp Genetics (formerly Invitae), Labcorp
Classification: Likely benign for Hypokalemic periodic paralysis, type 1; Malignant hyperthermia, susceptibility to, 5. Last evaluated: 2026-01-22. Review status: criteria provided, single submitter. Criteria: Invitae Variant Classification Sherloc (09022015). Collection method: clinical testing. Allele origin: germline.

Color Diagnostics, LLC DBA Color Health
Classification: Uncertain significance for Malignant hyperthermia, susceptibility to, 5. Last evaluated: 2023-11-22. Review status: criteria provided, single submitter. Criteria: ACMG Guidelines, 2015. Collection method: clinical testing. Allele origin: germline.
Comment: This missense variant replaces arginine with histidine at codon 1038 of the CACNA1S protein. Computational prediction suggests that this variant may have deleterious impact on protein structure and function (internally defined REVEL score threshold >= 0.7, PMID: 27666373). To our knowledge, functional studies have not been reported for this variant. This variant has not been reported in individuals affected with CACNA1S-related disorders in the literature. This variant has been identified in 11/282852 chromosomes in the general population by the Genome Aggregation Database (gnomAD). The available evidence is insufficient to determine the role of this variant in disease conclusively. Therefore, this variant is classified as a Variant of Uncertain Significance.

GeneDx
Classification: Uncertain significance. Last evaluated: 2022-10-26. Review status: criteria provided, single submitter. Criteria: GeneDx Variant Classification Process June 2021. Collection method: clinical testing. Allele origin: germline. Affected: yes.
Comment: Not observed at significant frequency in large population cohorts (gnomAD); In silico analysis supports that this missense variant has a deleterious effect on protein structure/function; Has not been previously published as pathogenic or benign to our knowledge

Fulgent Genetics
Classification: Uncertain significance for Hypokalemic periodic paralysis, type 1; Thyrotoxic periodic paralysis, susceptibility to, 1; Malignant hyperthermia, susceptibility to, 5. Last evaluated: 2022-01-03. Review status: criteria provided, single submitter. Criteria: ACMG Guidelines, 2015. Collection method: clinical testing. Allele origin: unknown.

Blueprint Genetics
Classification: Uncertain significance. Last evaluated: 2021-09-24. Review status: criteria provided, single submitter. Criteria: ACMG Guidelines, 2015. Collection method: clinical testing. Allele origin: germline.